The following is an entry in ClinVar:

ClinVar aggregate classification (germline): Conflicting classifications of pathogenicity. Review status: criteria provided, conflicting classifications (1 of 4 stars). 6 submissions from 6 submitters: Uncertain significance (3); Likely benign (1). 2 of the submissions do not count toward it. Last evaluated 2025-07-24.

Conditions:
Hearing impairment. Also called: Impaired Hearing. Identifiers: MedGen C1384666, MONDO:0005365, HP:0000365.

Allele frequency attached by ClinVar (database versions not stated): gnomAD 0.00002 and 0.00001; TOPMed 0.00001.
gnomAD v4.1: 42 of 1,613,936 alleles (0.0026%); highest among the groups gnomAD compares: Middle Eastern, 0.033%; 1 homozygote.

Submissions (6):

Labcorp Genetics (formerly Invitae), Labcorp
Classification: Likely benign. Last evaluated: 2025-07-24. Review status: criteria provided, single submitter. Criteria: Invitae Variant Classification Sherloc (09022015). Collection method: clinical testing. Allele origin: germline.

Blueprint Genetics
Classification: Uncertain significance. Last evaluated: 2024-07-15. Review status: criteria provided, single submitter. Criteria: ACMG Guidelines, 2015. Collection method: clinical testing. Allele origin: germline.

Department of Otolaryngology – Head & Neck Surgery, Cochlear Implant Center
Classification: Uncertain significance for Hearing impairment. Last evaluated: 2021-04-12. Review status: criteria provided, single submitter. Criteria: ClinGen HL ACMG Specifications v1. Collection method: clinical testing. Allele origin: germline. Affected: yes.
Comment: PM2_Moderate

Breakthrough Genomics
Classification: Uncertain significance. Review status: criteria provided, single submitter. Criteria: ACMG Guidelines, 2015. Collection method: not provided. Allele origin: germline. Inheritance: Autosomal recessive inheritance. Affected: yes.

Clinical Genetics, Academic Medical Center
Classification: Uncertain significance. Review status: no assertion criteria provided. Collection method: clinical testing. Allele origin: germline. Affected: yes. Study: VKGL Data-share Consensus. Not counted in ClinVar's aggregate classification.

Genome Diagnostics Laboratory, Amsterdam University Medical Center
Classification: Uncertain significance. Review status: no assertion criteria provided. Collection method: clinical testing. Allele origin: germline. Affected: yes. Study: VKGL Data-share Consensus. Not counted in ClinVar's aggregate classification.

NM_032119.4(ADGRV1):c.7735G>A (p.Val2579Met)

Gene: ADGRV1 (adhesion G protein-coupled receptor V1; plus strand). Cytogenetic location: 5q14.3.
Variant type: single nucleotide variant.
Coding change: c.7735G>A on transcript NM_032119.4 (MANE Select); coding-DNA position 7735, G replaced by A.
Protein change: p.Val2579Met; replaces valine 2579 with methionine.
Molecular consequence: missense variant. On other transcripts: non-coding transcript variant (1).
Genome position (GRCh38, 1-based): chr5:90,694,491, G>A. VCF-style: chr5-90694491-G-A. GRCh37 (hg19) VCF-style: chr5-89990308-G-A.
Other names: short protein forms V2579M.
Identifiers: ClinVar variation 1064941 (VCV001064941.14), dbSNP rs755818826, ClinGen allele CA3340081.